The following is an entry in ClinVar:

NM_000426.4(LAMA2):c.4379del (p.Lys1460fs)

Gene: LAMA2 (laminin subunit alpha 2; plus strand). Cytogenetic location: 6q22.33.
Variant type: Deletion.
Coding change: c.4379del on transcript NM_000426.4 (MANE Select); coding-DNA position 4379, one base deleted (A; older notation c.4379delA).
Protein change: p.Lys1460fs; shifts the reading frame from lysine 1460.
Molecular consequence: frameshift variant.
Genome position (GRCh38, 1-based): chr6:129,342,410, A deleted; the last of 2 consecutive A bases (chr6:129,342,409-129,342,410); deleting either gives the same sequence. VCF-style (leftmost placement, unchanged base first): chr6-129342408-CA-C. GRCh37 (hg19) VCF-style: chr6-129663553-CA-C.
Other names: c.4379del, p.Lys1460fs (NM_001079823.2); short protein forms K1460fs.
Identifiers: ClinVar variation 2501076 (VCV002501076.1), dbSNP rs2482532111, ClinGen allele CA2580615766.

ClinVar aggregate classification (germline): Likely pathogenic (1 of 4 stars; one submission).

Conditions:
LAMA2-related muscular dystrophy (LAMA2-RD). Also called: Laminin alpha 2-related dystrophy. Identifiers: MedGen C5679788, MONDO:0100228.

Submission:

Women's Health and Genetics/Laboratory Corporation of America, LabCorp
Classification: Likely pathogenic for LAMA2-related muscular dystrophy. Last evaluated: 2023-03-15. Review status: criteria provided, single submitter. Criteria: LabCorp Variant Classification Summary - May 2015. Collection method: clinical testing. Allele origin: germline.
Comment: Variant summary: LAMA2 c.4379delA (p.Lys1460ArgfsX14) results in a premature termination codon, predicted to cause a truncation of the encoded protein or absence of the protein due to nonsense mediated decay, which are commonly known mechanisms for disease. Truncations downstream of this position have been classified as pathogenic by our laboratory and in ClinVar. The variant was absent in 250866 control chromosomes (gnomAD). To our knowledge, no occurrence of c.4379delA in individuals affected with Laminin Alpha 2-Related Dystrophy and no experimental evidence demonstrating its impact on protein function have been reported. No clinical diagnostic laboratories have submitted clinical-significance assessments for this variant to ClinVar after 2014. Based on the evidence outlined above, the variant was classified as likely pathogenic.